The following is an entry in ClinVar:

ClinVar aggregate classification (germline): Uncertain significance (1 of 4 stars; one submission).

Conditions:
Hypertrophic cardiomyopathy. Also called: HYPERTROPHIC MYOCARDIOPATHY. Identifiers: Orphanet 217569, MedGen C0007194, MeSH D002312, MONDO:0005045, HP:0001639.

Submission:

Labcorp Genetics (formerly Invitae), Labcorp
Classification: Uncertain significance for Hypertrophic cardiomyopathy. Last evaluated: 2024-04-03. Review status: criteria provided, single submitter. Criteria: Invitae Variant Classification Sherloc (09022015). Collection method: clinical testing. Allele origin: germline.
Comment: This sequence change replaces alanine, which is neutral and non-polar, with serine, which is neutral and polar, at codon 385 of the MYH7 protein (p.Ala385Ser). This variant is not present in population databases (gnomAD no frequency). This variant has not been reported in the literature in individuals affected with MYH7-related conditions. Advanced modeling of protein sequence and biophysical properties (such as structural, functional, and spatial information, amino acid conservation, physicochemical variation, residue mobility, and thermodynamic stability) performed at Invitae indicates that this missense variant is expected to disrupt MYH7 protein function with a positive predictive value of 95%. In summary, the available evidence is currently insufficient to determine the role of this variant in disease. Therefore, it has been classified as a Variant of Uncertain Significance.

NM_000257.4(MYH7):c.1153G>T (p.Ala385Ser)

Gene: MYH7 (myosin heavy chain 7; minus strand). Cytogenetic location: 14q11.2.
Variant type: single nucleotide variant.
Coding change: c.1153G>T on transcript NM_000257.4 (MANE Select); coding-DNA position 1153, G replaced by T.
Protein change: p.Ala385Ser; replaces alanine 385 with serine.
Molecular consequence: missense variant.
Genome position (GRCh38, 1-based): chr14:23,429,333, C>A on the plus strand (G>T on the coding strand, the complement: MYH7 is on the minus strand). VCF-style: chr14-23429333-C-A. GRCh37 (hg19) VCF-style: chr14-23898542-C-A.
Other names: c.1153G>T, p.Ala385Ser (NM_001407004.1); short protein forms A385S.
Identifiers: ClinVar variation 3636050 (VCV003636050.2).
Genomic context (GRCh38, chr14:23,429,333, plus strand): 5'-TCACCCGAGGGTGGCACAGCCCCTTGAGCAGGTCGGCTGAGTTCAGCCCCATGAGGTAGG[C>A]AGACTTGTCAGCCTCTGGAAGGAAAAGGCAAGTAGCAAAGTTGGTAAAGAGATGACTGCT-3'
Protein context (NP_000248.2, residues 375-395): PDGTEEADKS[Ala385Ser]YLMGLNSADL